The following is an entry in ClinVar:

ClinVar aggregate classification (germline): Uncertain significance. Review status: criteria provided, multiple submitters, no conflicts (2 of 4 stars). 2 submissions from 2 submitters: Uncertain significance (2). Last evaluated 2025-10-21.

Conditions:
Polycystic kidney disease 3 with or without polycystic liver disease. Also called: Polycystic kidney disease 3; Polycystic Kidney and/or Polycystic Liver Disease 3; POLYCYSTIC KIDNEY DISEASE, ADULT, TYPE III. Identifiers: MedGen C3887964, MONDO:0010916, OMIM 600666.

Allele frequency attached by ClinVar (database versions not stated): gnomAD exomes below 0.00001; gnomAD 0.00001; TOPMed 0.00002.
gnomAD v4.1: 2 of 1,613,610 alleles (0.00012%); highest among the groups gnomAD compares: Admixed American, 0.0033%; no homozygotes.

Submissions (2):

Labcorp Genetics (formerly Invitae), Labcorp
Classification: Uncertain significance. Last evaluated: 2025-10-21. Review status: criteria provided, single submitter. Criteria: Invitae Variant Classification Sherloc (09022015). Collection method: clinical testing. Allele origin: germline.
Comment: This sequence change replaces glutamic acid, which is acidic and polar, with lysine, which is basic and polar, at codon 139 of the GANAB protein (p.Glu139Lys). This variant is not present in population databases (gnomAD no frequency). This variant has not been reported in the literature in individuals affected with GANAB-related conditions. ClinVar contains an entry for this variant (Variation ID: 1413869). Invitae Evidence Modeling of protein sequence and biophysical properties (such as structural, functional, and spatial information, amino acid conservation, physicochemical variation, residue mobility, and thermodynamic stability) indicates that this missense variant is not expected to disrupt GANAB protein function with a negative predictive value of 80%. In summary, the available evidence is currently insufficient to determine the role of this variant in disease. Therefore, it has been classified as a Variant of Uncertain Significance.

Fulgent Genetics
Classification: Uncertain significance for Polycystic kidney disease 3 with or without polycystic liver disease. Last evaluated: 2021-07-09. Review status: criteria provided, single submitter. Criteria: ACMG Guidelines, 2015. Collection method: clinical testing. Allele origin: unknown.

NM_198334.3(GANAB):c.415G>A (p.Glu139Lys)

Gene: GANAB (glucosidase II alpha subunit; minus strand). Cytogenetic location: 11q12.3.
Variant type: single nucleotide variant.
Coding change: c.415G>A on transcript NM_198334.3 (MANE Select); coding-DNA position 415, G replaced by A.
Protein change: p.Glu139Lys; replaces glutamic acid 139 with lysine.
Molecular consequence: missense variant. On other transcripts: 5 prime UTR variant (2).
Genome position (GRCh38, 1-based): chr11:62,634,966, C>T on the plus strand (G>A on the coding strand, the complement: GANAB is on the minus strand). VCF-style: chr11-62634966-C-T. GRCh37 (hg19) VCF-style: chr11-62402438-C-T.
Other names: c.73G>A, p.Glu25Lys (NM_001278192.2, NM_001278193.2); c.124G>A, p.Glu42Lys (NM_001278194.2, NM_001329222.2, NM_001329223.2); c.-362G>A (NM_001329224.2, NM_001329225.2); c.415G>A, p.Glu139Lys (NM_198335.4); short protein forms E139K, E25K, E42K.
Identifiers: ClinVar variation 1413869 (VCV001413869.7), dbSNP rs1033886387, ClinGen allele CA223051060.
Genomic context (GRCh38, chr11:62,634,966, plus strand): 5'-CAAGGCGGAATGGCCGTGCTGTCAAGATGATCTTGTAGGGTCCCTCAGCCATGGTTAACT[C>T]CACACTGTTCTCATCACGACCAGAGACAGAAAGCCTGGGAAACATATCAAAAGAAATATA-3'
Protein context (NP_938148.1, residues 129-149): SVSGRDENSV[Glu139Lys]LTMAEGPYKI